The following is an entry in ClinVar:

NM_000038.6(APC):c.3607G>C (p.Gly1203Arg)

Gene: APC (APC regulator of Wnt signaling pathway; plus strand). Cytogenetic location: 5q22.2.
Variant type: single nucleotide variant.
Coding change: c.3607G>C on transcript NM_000038.6 (MANE Select); coding-DNA position 3607, G replaced by C.
Protein change: p.Gly1203Arg; replaces glycine 1203 with arginine.
Molecular consequence: missense variant.
Genome position (GRCh38, 1-based): chr5:112,839,201, G>C. VCF-style: chr5-112839201-G-C. GRCh37 (hg19) VCF-style: chr5-112174898-G-C.
Other names: c.3607G>C, p.Gly1203Arg (NM_001127510.3, NM_001354895.2); c.3553G>C, p.Gly1185Arg (NM_001127511.3); c.3661G>C, p.Gly1221Arg (NM_001354896.2); c.3637G>C, p.Gly1213Arg (NM_001354897.2); c.3532G>C, p.Gly1178Arg (NM_001354898.2); c.3523G>C, p.Gly1175Arg (NM_001354899.2); c.3484G>C, p.Gly1162Arg (NM_001354900.2); c.3430G>C, p.Gly1144Arg (NM_001354901.2); and 5 more; short protein forms G1185R, G1203R, G1178R, G920R, G1043R, G1077R, G1102R, G1112R.
Identifiers: ClinVar variation 411470 (VCV000411470.20), dbSNP rs1057518472, ClinGen allele CA16029253.
Genomic context (GRCh38, chr5:112,839,201, plus strand): 5'-TATGCCACAGATATTCCTTCATCACAGAAACAGTCATTTTCATTCTCAAAGAGTTCATCT[G>C]GACAAAGCAGTAAAACCGAACATATGTCTTCAAGCAGTGAGAATACGTCCACACCTTCAT-3'
Protein context (NP_000029.2, residues 1193-1213): QSFSFSKSSS[Gly1203Arg]QSSKTEHMSS

ClinVar aggregate classification (germline): Uncertain significance. Review status: criteria provided, multiple submitters, no conflicts (2 of 4 stars). 5 submissions from 5 submitters: Uncertain significance (5). Last evaluated 2025-09-19.

Conditions:
Familial adenomatous polyposis 1 (FAP1). Also called: FAMILIAL ADENOMATOUS POLYPOSIS 1, ATTENUATED; POLYPOSIS, ADENOMATOUS INTESTINAL. Identifiers: MedGen C2713442, MONDO:0021056, OMIM 175100. Disease mechanism: loss of function.
Hereditary cancer-predisposing syndrome. Also called: Tumor predisposition; Hereditary Cancer Syndrome; Hereditary neoplastic syndrome; Neoplastic Syndromes, Hereditary. Identifiers: Orphanet 140162, MedGen C0027672, MeSH D009386, MONDO:0015356.
Classic or attenuated familial adenomatous polyposis. Identifiers: MedGen CN372698, MONDO:0021057.

Submissions (5):

Ambry Genetics
Classification: Uncertain significance for Hereditary cancer-predisposing syndrome. Last evaluated: 2025-09-19. Review status: criteria provided, single submitter. Criteria: Ambry Variant Classification Scheme 2023. Collection method: clinical testing. Allele origin: germline.
Comment: The p.G1203R variant (also known as c.3607G>C), located in coding exon 15 of the APC gene, results from a G to C substitution at nucleotide position 3607. The glycine at codon 1203 is replaced by arginine, an amino acid with dissimilar properties. This amino acid position is poorly conserved in available vertebrate species. In addition, in silico predictors for this gene do not accurately predict pathogenicity. Since supporting evidence is limited at this time, the clinical significance of this alteration remains unclear.

Labcorp Genetics (formerly Invitae), Labcorp
Classification: Uncertain significance for Familial adenomatous polyposis 1. Last evaluated: 2025-08-07. Review status: criteria provided, single submitter. Criteria: Invitae Variant Classification Sherloc (09022015). Collection method: clinical testing. Allele origin: germline.
Comment: This sequence change replaces glycine, which is neutral and non-polar, with arginine, which is basic and polar, at codon 1203 of the APC protein (p.Gly1203Arg). This variant is not present in population databases (gnomAD no frequency). This missense change has been observed in individual(s) with breast cancer (PMID: 25186627). ClinVar contains an entry for this variant (Variation ID: 411470). Invitae Evidence Modeling of protein sequence and biophysical properties (such as structural, functional, and spatial information, amino acid conservation, physicochemical variation, residue mobility, and thermodynamic stability) indicates that this missense variant is not expected to disrupt APC protein function with a negative predictive value of 95%. In summary, the available evidence is currently insufficient to determine the role of this variant in disease. Therefore, it has been classified as a Variant of Uncertain Significance.

All of Us Research Program, National Institutes of Health
Classification: Uncertain significance for Classic or attenuated familial adenomatous polyposis. Last evaluated: 2023-11-30. Review status: criteria provided, single submitter. Criteria: ACMG Guidelines, 2015. Collection method: clinical testing. Allele origin: germline. Inheritance: Autosomal dominant inheritance. Observed: 1 variant allele, 1 heterozygote.
Comment: This study involves interpretation of variants in research participants for the purpose of population health screening. Participant phenotype was not available at the time of variant classification. Additional details can be found in publication PMID: 35346344, PMCID: PMC8962531

Women's Health and Genetics/Laboratory Corporation of America, LabCorp
Classification: Uncertain significance. Last evaluated: 2020-10-29. Review status: criteria provided, single submitter. Criteria: LabCorp Variant Classification Summary - May 2015. Collection method: clinical testing. Allele origin: germline.
Comment: Variant summary: APC c.3607G>C (p.Gly1203Arg) results in a non-conservative amino acid change in the encoded protein sequence. Four of five in-silico tools predict a benign effect of the variant on protein function. The variant was absent in 250592 control chromosomes (gnomAD). The available data on variant occurrences in the general population are insufficient to allow any conclusion about variant significance. c.3607G>C has been reported in the literature in one individual affected with breast cancer (Tung_2014). The report does not provide unequivocal conclusions about association of the variant with Familial Adenomatous Polyposis. To our knowledge, no experimental evidence demonstrating an impact on protein function has been reported. Three ClinVar submitters (evaluation after 2014) cite the variant as uncertain significance. Based on the evidence outlined above, the variant was classified as uncertain significance.

GeneDx
Classification: Uncertain significance. Last evaluated: 2015-03-01. Review status: criteria provided, single submitter. Criteria: GeneDx Variant Classification (06012015). Collection method: clinical testing. Allele origin: germline. Affected: yes.
Comment: This variant is denoted APC c.3607G>C at the cDNA level, p.Gly1203Arg (G1203R) at the protein level, and results in the change of a Glycine to an Arginine (GGA>CGA). This variant has not, to our knowledge, been published in the literature as pathogenic or benign. APC Gly1203Arg was not observed in approximately 6,500 individuals of European and African American ancestry in the NHLBI Exome Sequencing Project, indicating it is not a common benign variant in these populations. Since Glycine and Arginine differ in polarity, charge, size or other properties, this is considered a non-conservative amino acid substitution. APC Gly1203Arg occurs at a position that is poorly conserved across species and is located in a region predicted to be responsible for protein downregulation by ubiquitination (UniProt) but does not fall into any known functional domain (Azzopardi 2008). In silico analyses are inconsistent regarding the effect this variant may have on protein structure and function. Based on currently available information, it is unclear whether APC Gly1203Arg is pathogenic or benign. We consider it to be a variant of uncertain significance.

Literature cited by the submitters: PubMed 25186627 (cited by 3 submitters).